The following is an entry in ClinVar:

NM_002582.4(PARN):c.1707G>T (p.Leu569Phe)

Gene: PARN (poly(A)-specific ribonuclease; minus strand). Cytogenetic location: 16p13.12.
Variant type: single nucleotide variant.
Coding change: c.1707G>T on transcript NM_002582.4 (MANE Select); coding-DNA position 1707, G replaced by T.
Protein change: p.Leu569Phe; replaces leucine 569 with phenylalanine.
Molecular consequence: missense variant.
Genome position (GRCh38, 1-based): chr16:14,447,045, C>A on the plus strand (G>T on the coding strand, the complement: PARN is on the minus strand). VCF-style: chr16-14447045-C-A. GRCh37 (hg19) VCF-style: chr16-14540902-C-A.
Other names: c.1524G>T, p.Leu508Phe (NM_001134477.3); c.1569G>T, p.Leu523Phe (NM_001242992.2); short protein forms L523F, L508F, L569F.
Identifiers: ClinVar variation 2932833 (VCV002932833.3), dbSNP rs2506561504, ClinGen allele CA395184549.

ClinVar aggregate classification (germline): Uncertain significance (1 of 4 stars; one submission).

Conditions:
Dyskeratosis congenita, autosomal recessive 6 (DKCB6). Identifiers: MedGen C4225356, MONDO:0014600, OMIM 616353.
Pulmonary fibrosis and/or bone marrow failure, Telomere-related, 4. Also called: PULMONARY FIBROSIS AND/OR BONE MARROW FAILURE SYNDROME, TELOMERE-RELATED, 4. Identifiers: Orphanet 2032, MedGen C4225347, MONDO:0014612, OMIM 616371.

Submission:

Labcorp Genetics (formerly Invitae), Labcorp
Classification: Uncertain significance for Dyskeratosis congenita, autosomal recessive 6; Pulmonary fibrosis and/or bone marrow failure, Telomere-related, 4. Last evaluated: 2025-05-04. Review status: criteria provided, single submitter. Criteria: Invitae Variant Classification Sherloc (09022015). Collection method: clinical testing. Allele origin: germline.
Comment: This sequence change replaces leucine, which is neutral and non-polar, with phenylalanine, which is neutral and non-polar, at codon 569 of the PARN protein (p.Leu569Phe). This variant is not present in population databases (gnomAD no frequency). This variant has not been reported in the literature in individuals affected with PARN-related conditions. ClinVar contains an entry for this variant (Variation ID: 2932833). An algorithm developed to predict the effect of missense changes on protein structure and function (PolyPhen-2) suggests that this variant is likely to be tolerated. In summary, the available evidence is currently insufficient to determine the role of this variant in disease. Therefore, it has been classified as a Variant of Uncertain Significance.